The following is an entry in ClinVar:

ClinVar aggregate classification (germline): Uncertain significance (1 of 4 stars; one submission).

Allele frequency attached by ClinVar (database versions not stated): gnomAD exomes 0.00002; ExAC 0.00004.
gnomAD v4.1: 9 of 1,560,686 alleles (0.00058%); highest among the groups gnomAD compares: Non-Finnish European, 0.00069%; no homozygotes.

Submission:

Labcorp Genetics (formerly Invitae), Labcorp
Classification: Uncertain significance. Last evaluated: 2022-11-22. Review status: criteria provided, single submitter. Criteria: Invitae Variant Classification Sherloc (09022015). Collection method: clinical testing. Allele origin: germline.
Comment: ClinVar contains an entry for this variant (Variation ID: 1484718). In summary, the available evidence is currently insufficient to determine the role of this variant in disease. Therefore, it has been classified as a Variant of Uncertain Significance. Algorithms developed to predict the effect of missense changes on protein structure and function (SIFT, PolyPhen-2, Align-GVGD) all suggest that this variant is likely to be tolerated. This variant has not been reported in the literature in individuals affected with PAX1-related conditions. The frequency data for this variant in the population databases is considered unreliable, as metrics indicate poor data quality at this position in the gnomAD database. This sequence change replaces arginine, which is basic and polar, with leucine, which is neutral and non-polar, at codon 467 of the PAX1 protein (p.Arg467Leu).

NM_001257096.2(PAX1):c.*36G>T

Gene: PAX1 (paired box 1; plus strand). Cytogenetic location: 20p11.22.
Variant type: single nucleotide variant.
Coding change: c.*36G>T on transcript NM_001257096.2 (MANE Select); 36 bases downstream of the stop codon, G replaced by T.
Molecular consequence: 3 prime UTR variant. On other transcripts: missense variant (1).
Genome position (GRCh38, 1-based): chr20:21,714,598, G>T. VCF-style: chr20-21714598-G-T. GRCh37 (hg19) VCF-style: chr20-21695236-G-T.
Other names: c.1400G>T, p.Arg467Leu (NM_006192.5); short protein forms R467L.
Identifiers: ClinVar variation 1484718 (VCV001484718.8), dbSNP rs752368901, ClinGen allele CA9786781.
Genomic context (GRCh38, chr20:21,714,598, plus strand): 5'-GCCCATCCCGGCCTCGACCTCCTAGGGGCAGCTCTCCCCGGACCCGAGCCCGGAGGGAAC[G>T]GCAGGCGGACCCGGGCGCACAGGTCTGCGCGGCGGCCCCGGCAATCGGCACGGGCAGGAT-3'